The following is an entry in ClinVar:

ClinVar aggregate classification (germline): Benign/Likely benign. Review status: criteria provided, multiple submitters, no conflicts (2 of 4 stars). 7 submissions from 7 submitters: Benign (1); Likely benign (4). 2 of the submissions do not count toward it. Last evaluated 2025-10-06.

Conditions:
BARD1-related disorder. Also called: BARD1-related condition.
Hereditary cancer-predisposing syndrome. Also called: Neoplastic Syndromes, Hereditary; Tumor predisposition; Hereditary Cancer Syndrome; Hereditary neoplastic syndrome. Identifiers: Orphanet 140162, MedGen C0027672, MeSH D009386, MONDO:0015356.
Familial cancer of breast. Also called: BREAST CANCER, FAMILIAL; Hereditary breast cancer; hereditary breast carcinoma. Identifiers: Orphanet 227535, MedGen C0346153, MONDO:0016419, OMIM 114480. Disease mechanism: loss of function.
Malignant tumor of breast. Also called: Malignant breast neoplasm; Cancer breast. Identifiers: MedGen C0006142, MONDO:0007254. Disease mechanism: loss of function.

gnomAD v4.1: 1 of 1,613,790 alleles (0.000062%); no homozygotes.

Submissions (7):

Labcorp Genetics (formerly Invitae), Labcorp
Classification: Likely benign for Familial cancer of breast. Last evaluated: 2025-10-06. Review status: criteria provided, single submitter. Criteria: Invitae Variant Classification Sherloc (09022015). Collection method: clinical testing. Allele origin: germline.

Myriad Genetics, Inc.
Classification: Benign for Familial cancer of breast. Last evaluated: 2024-07-26. Review status: criteria provided, single submitter. Criteria: Myriad Autosomal Dominant, Autosomal Recessive and X-Linked Classification Criteria (2023). Collection method: clinical testing. Allele origin: unknown.
Comment: This variant is considered benign. This variant is a silent/synonymous amino acid change and it is not expected to impact splicing.

Sema4
Classification: Likely benign for Hereditary cancer-predisposing syndrome. Last evaluated: 2021-11-15. Review status: criteria provided, single submitter. Criteria: Sema4 Curation Guidelines. Collection method: curation. Allele origin: germline.

Color Diagnostics, LLC DBA Color Health
Classification: Likely benign for Hereditary cancer-predisposing syndrome. Last evaluated: 2017-06-14. Review status: criteria provided, single submitter. Criteria: ACMG Guidelines, 2015. Collection method: clinical testing. Allele origin: germline.

Ambry Genetics
Classification: Likely benign for Hereditary cancer-predisposing syndrome. Last evaluated: 2014-10-28. Review status: criteria provided, single submitter. Criteria: Ambry Variant Classification Scheme 2023. Collection method: clinical testing. Allele origin: germline.

PreventionGenetics, part of Exact Sciences
Classification: Likely benign for BARD1-related condition. Last evaluated: 2023-03-24. Review status: no assertion criteria provided. Collection method: clinical testing. Allele origin: germline. Not counted in ClinVar's aggregate classification.
Comment: This variant is classified as likely benign based on ACMG/AMP sequence variant interpretation guidelines (Richards et al. 2015 PMID: 25741868, with internal and published modifications).

Department of Pathology and Laboratory Medicine, Sinai Health System
Classification: Likely benign for Malignant tumor of breast. Review status: no assertion criteria provided. Collection method: clinical testing. Allele origin: unknown. Affected: yes. Study: The Canadian Open Genetics Repository (COGR). Not counted in ClinVar's aggregate classification.
Comment: The BARD1 p.Leu545= variant was not identified in the literature, nor was it identified in Cosmic, MutDB, or Zhejiang Colon Cancer Database. The variant was identified in dbSNP (ID: rs786203364) as â€šÃ„ÃºWith Likely benign alleleâ€šÃ„Ã¹, and ClinVar and Clinvitae databases as likely benign (Invitae and Ambry Genetics). The variant was identified in control databases in 3 of 246160 chromosomes at a frequency of 0.000012 in the following populations: African in 1 of 15300 chromosomes (freq. 0.000065), and European (Non-Finnish) in 2 of 111644 chromosomes (freq. 0.000018), increasing the likelihood that this may be a low frequency benign variant in certain populations of origin (Genome Aggregation Consortium Feb 27, 2017). The p.Leu545= variant is not expected to have clinical significance because it does not result in a change of amino acid and is not located in a known consensus splice site. In addition, in silico or computational prediction software programs (SpliceSiteFinder, MaxEntScan, NNSPLICE, GeneSplicer, HumanSpliceFinder) do not predict a difference in splicing. In summary, based on the above information the clinical significance of this variant cannot be determined with certainty at this time although we would lean towards a more benign role for this variant. This variant is classified as likely benign.

NM_000465.4(BARD1):c.1635A>G (p.Leu545=)

Gene: BARD1 (BRCA1 associated RING domain 1; minus strand). Cytogenetic location: 2q35.
Variant type: single nucleotide variant.
Coding change: c.1635A>G on transcript NM_000465.4 (MANE Select); coding-DNA position 1635, A replaced by G.
Protein change: p.Leu545=; no amino-acid change (leucine 545 retained).
Molecular consequence: synonymous variant. On other transcripts: non-coding transcript variant (3), intron variant (1).
Genome position (GRCh38, 1-based): chr2:214,752,489, T>C on the plus strand (A>G on the coding strand, the complement: BARD1 is on the minus strand). VCF-style: chr2-214752489-T-C. GRCh37 (hg19) VCF-style: chr2-215617213-T-C.
Other names: c.1578A>G, p.Leu526= (NM_001282543.2); c.282A>G, p.Leu94= (NM_001282545.2); c.225A>G, p.Leu75= (NM_001282548.2); c.365-21981A>G (NM_001282549.2).
Identifiers: ClinVar variation 186969 (VCV000186969.26), dbSNP rs786203364, ClinGen allele CA196366.
Genomic context (GRCh38, chr2:214,752,489, plus strand): 5'-AGCTAAATCCATACTTACTACTGAGCAGTGGCTAGCTGAGGATGATTCATTCTTCTCTGG[T>C]AGCAGCAATAGCGATTTCATACTTTCATCATCTGTATAATCGACAGGCCGCAGACCAAAT-3'
Protein context (NP_000456.2, residues 535-555): DDESMKSLLL[Leu545=]PEKNESSSAS